The following is an entry in ClinVar:

NM_001171613.2(PREPL):c.1691T>C (p.Ile564Thr)

Gene: PREPL (prolyl endopeptidase like; minus strand). Cytogenetic location: 2p21.
Variant type: single nucleotide variant.
Coding change: c.1691T>C on transcript NM_001171613.2 (MANE Select); coding-DNA position 1691, T replaced by C.
Protein change: p.Ile564Thr; replaces isoleucine 564 with threonine.
Molecular consequence: missense variant.
Genome position (GRCh38, 1-based): chr2:44,322,793, A>G on the plus strand (T>C on the coding strand, the complement: PREPL is on the minus strand). VCF-style: chr2-44322793-A-G. GRCh37 (hg19) VCF-style: chr2-44549932-A-G.
Other names: c.1772T>C, p.Ile591Thr (NM_001042385.2); c.1760T>C, p.Ile587Thr (NM_001042386.2); c.1958T>C, p.Ile653Thr (NM_001171603.1, NM_001171606.2, NM_001374275.1 and 2 more transcripts); c.1691T>C, p.Ile564Thr (NM_001171617.1, NM_001374277.1); short protein forms I587T, I564T, I653T, I591T.
Identifiers: ClinVar variation 2084874 (VCV002084874.1), dbSNP rs533080812, ClinGen allele CA1640997.
Genomic context (GRCh38, chr2:44,322,793, plus strand): 5'-TCACCTGTGTCCTTAGCATGCTCCGCGATGGCTTCCTTGAGTTTCTCAGTATAACTTACA[A>G]TTCCTTTCAGAGGTACCCGTTCATCGTTTTCATATGCCGTTATGTGAATTGAAGGATAAT-3'
Protein context (NP_001165084.1, residues 554-574): ENDERVPLKG[Ile564Thr]VSYTEKLKEA

ClinVar aggregate classification (germline): Uncertain significance (1 of 4 stars; one submission).

Conditions:
Myasthenic syndrome, congenital, 22 (CMS22). Also called: PREPL DEFICIENCY. Identifiers: MedGen C4479088, MONDO:0044299, OMIM 616224.

Allele frequency attached by ClinVar (database versions not stated): TOPMed 0.00001; gnomAD 0.00005; gnomAD exomes 0.00010; ExAC 0.00023; 1000 Genomes Project 0.00060; 1000 Genomes Project 30x 0.00062.

Submission:

Labcorp Genetics (formerly Invitae), Labcorp
Classification: Uncertain significance for Myasthenic syndrome, congenital, 22. Last evaluated: 2022-08-22. Review status: criteria provided, single submitter. Criteria: Invitae Variant Classification Sherloc (09022015). Collection method: clinical testing. Allele origin: germline.
Comment: This sequence change replaces isoleucine, which is neutral and non-polar, with threonine, which is neutral and polar, at codon 653 of the PREPL protein (p.Ile653Thr). This variant is present in population databases (rs533080812, gnomAD 0.2%). This variant has not been reported in the literature in individuals affected with PREPL-related conditions. Algorithms developed to predict the effect of missense changes on protein structure and function are either unavailable or do not agree on the potential impact of this missense change (SIFT: "Deleterious"; PolyPhen-2: "Benign"; Align-GVGD: "Class C0"). In summary, the available evidence is currently insufficient to determine the role of this variant in disease. Therefore, it has been classified as a Variant of Uncertain Significance.